The following is an entry in ClinVar:

NM_014633.5(CTR9):c.1154A>G (p.Tyr385Cys)

Genes: CTR9 (CTR9 component of Paf1/RNA polymerase II complex; plus strand), LOC126861140 (CDK7 strongly-dependent group 2 enhancer GRCh37_chr11:10785333-10786532; plus strand). Cytogenetic location: 11p15.4.
Variant type: single nucleotide variant.
Coding change: c.1154A>G on transcript NM_014633.5 (MANE Select); coding-DNA position 1154, A replaced by G.
Protein change: p.Tyr385Cys; replaces tyrosine 385 with cysteine.
Molecular consequence: missense variant.
Genome position (GRCh38, 1-based): chr11:10,763,839, A>G. VCF-style: chr11-10763839-A-G. GRCh37 (hg19) VCF-style: chr11-10785386-A-G.
Other names: c.1154A>G, p.Tyr385Cys (NM_001346279.2); short protein forms Y385C.
Identifiers: ClinVar variation 3078709 (VCV003078709.4), dbSNP rs202173615, ClinGen allele CA217707969.

ClinVar aggregate classification (germline): Uncertain significance. Review status: criteria provided, multiple submitters, no conflicts (2 of 4 stars). 3 submissions from 3 submitters: Uncertain significance (3). Last evaluated 2025-11-08.

Conditions:
Predisposition to Wilms tumor.
Inborn genetic diseases. Identifiers: MedGen C0950123, MeSH D030342.

Allele frequency attached by ClinVar (database versions not stated): gnomAD 0.00009; TOPMed 0.00021.
gnomAD v4.1: 31 of 1,612,872 alleles (0.0019%); highest among the groups gnomAD compares: Admixed American, 0.033%; no homozygotes.

Submissions (3):

Ambry Genetics
Classification: Uncertain significance for Inborn genetic diseases. Last evaluated: 2025-11-08. Review status: criteria provided, single submitter. Criteria: Ambry Variant Classification Scheme 2023. Collection method: clinical testing. Allele origin: germline.

Labcorp Genetics (formerly Invitae), Labcorp
Classification: Uncertain significance. Last evaluated: 2025-08-29. Review status: criteria provided, single submitter. Criteria: Invitae Variant Classification Sherloc (09022015). Collection method: clinical testing. Allele origin: germline.
Comment: This sequence change replaces tyrosine, which is neutral and polar, with cysteine, which is neutral and slightly polar, at codon 385 of the CTR9 protein (p.Tyr385Cys). This variant is present in population databases (rs202173615, gnomAD 0.01%). This variant has not been reported in the literature in individuals affected with CTR9-related conditions. ClinVar contains an entry for this variant (Variation ID: 3078709). An algorithm developed to predict the effect of missense changes on protein structure and function (PolyPhen-2) suggests that this variant is likely to be disruptive. In summary, the available evidence is currently insufficient to determine the role of this variant in disease. Therefore, it has been classified as a Variant of Uncertain Significance.

St. Jude Molecular Pathology, St. Jude Children's Research Hospital
Classification: Uncertain significance for Predisposition to Wilms tumor. Last evaluated: 2023-12-25. Review status: criteria provided, single submitter. Criteria: St. Jude Assertion Criteria 2020. Collection method: clinical testing. Allele origin: germline.
Comment: The CTR9 c.1154A>G (p.Tyr385Cys) missense change has a maximum subpopulation frequency of 0.005% in gnomAD v2.1.1. The in silico tool REVEL is inconclusive about a pathogenic or benign effect of this variant on protein function, and to our knowledge functional studies have not been performed. To our knowledge, this variant has not been reported in individuals with Wilms tumor.?In summary, the evidence currently available is insufficient to determine the clinical significance of this variant. It has therefore been classified as of uncertain significance.